The following is an entry in ClinVar:

ClinVar aggregate classification (germline): Uncertain significance (1 of 4 stars; one submission).

Allele frequency attached by ClinVar (database versions not stated): gnomAD 0.00001; gnomAD exomes 0.00002; ExAC 0.00003; TOPMed 0.00003.
gnomAD v4.1: 29 of 1,613,640 alleles (0.0018%); highest among the groups gnomAD compares: East Asian, 0.0022%; no homozygotes.

Submission:

Labcorp Genetics (formerly Invitae), Labcorp
Classification: Uncertain significance. Last evaluated: 2022-05-21. Review status: criteria provided, single submitter. Criteria: Invitae Variant Classification Sherloc (09022015). Collection method: clinical testing. Allele origin: germline.
Comment: Algorithms developed to predict the effect of sequence changes on RNA splicing suggest that this variant may disrupt the consensus splice site. Algorithms developed to predict the effect of missense changes on protein structure and function are either unavailable or do not agree on the potential impact of this missense change (SIFT: "Tolerated"; PolyPhen-2: "Probably Damaging"; Align-GVGD: "Class C0"). This missense change has been observed in individual(s) with BMP7-related conditions (PMID: 31816153). This variant is present in population databases (rs781505768, gnomAD 0.006%). This sequence change replaces leucine, which is neutral and non-polar, with phenylalanine, which is neutral and non-polar, at codon 198 of the BMP7 protein (p.Leu198Phe). In summary, the available evidence is currently insufficient to determine the role of this variant in disease. Therefore, it has been classified as a Variant of Uncertain Significance.

Literature cited by the submitters: PubMed 31816153.

NM_001719.3(BMP7):c.592C>T (p.Leu198Phe)

Gene: BMP7 (bone morphogenetic protein 7; minus strand). Cytogenetic location: 20q13.31.
Variant type: single nucleotide variant.
Coding change: c.592C>T on transcript NM_001719.3 (MANE Select); coding-DNA position 592, C replaced by T.
Protein change: p.Leu198Phe; replaces leucine 198 with phenylalanine.
Molecular consequence: missense variant.
Genome position (GRCh38, 1-based): chr20:57,228,248, G>A on the plus strand (C>T on the coding strand, the complement: BMP7 is on the minus strand). VCF-style: chr20-57228248-G-A. GRCh37 (hg19) VCF-style: chr20-55803304-G-A.
Other names: short protein forms L198F.
Identifiers: ClinVar variation 1896815 (VCV001896815.5), dbSNP rs781505768, ClinGen allele CA9919789.